The following is an entry in ClinVar:

NM_015047.3(EMC1):c.1688del (p.Asn563fs)

Genes: EMC1 (ER membrane protein complex subunit 1; minus strand), EMC1-AS1 (EMC1 antisense RNA 1; plus strand). Cytogenetic location: 1p36.13.
Variant type: Deletion.
Coding change: c.1688del on transcript NM_015047.3 (MANE Select); coding-DNA position 1688, one base deleted (A; older notation c.1688delA).
Protein change: p.Asn563fs; shifts the reading frame from asparagine 563.
Molecular consequence: frameshift variant.
Genome position (GRCh38, 1-based): chr1:19,232,718, T deleted on the plus strand (A on the coding strand, the reverse complement: EMC1 is on the minus strand); the first of 2 consecutive T bases (chr1:19,232,718-19,232,719); deleting either gives the same sequence. VCF-style (leftmost placement, unchanged base first): chr1-19232717-AT-A. GRCh37 (hg19) VCF-style: chr1-19559211-AT-A.
Other names: c.1685del, p.Asn562fs (NM_001271427.2, NM_001271428.2); c.1622del, p.Asn541fs (NM_001271429.2); c.1697del, p.Asn566fs (NM_001375820.1); c.1694del, p.Asn565fs (NM_001375821.1); short protein forms N562fs, N563fs, N566fs, N541fs, N565fs.
Identifiers: ClinVar variation 3725771 (VCV003725771.2).

ClinVar aggregate classification (germline): Pathogenic (1 of 4 stars; one submission).

Submission:

Labcorp Genetics (formerly Invitae), Labcorp
Classification: Pathogenic. Last evaluated: 2025-03-06. Review status: criteria provided, single submitter. Criteria: Invitae Variant Classification Sherloc (09022015). Collection method: clinical testing. Allele origin: germline.
Comment: This sequence change creates a premature translational stop signal (p.Asn563Metfs*10) in the EMC1 gene. It is expected to result in an absent or disrupted protein product. Loss-of-function variants in EMC1 are known to be pathogenic (PMID: 26572623, 26942288, 29271071). This variant is present in population databases (rs756225261, gnomAD 0.0009%). This variant has not been reported in the literature in individuals affected with EMC1-related conditions. For these reasons, this variant has been classified as Pathogenic.

Literature cited by the submitters: PubMed 26572623; PubMed 26942288; PubMed 29271071.